The following is an entry in ClinVar:

NM_001103.4(ACTN2):c.608T>A (p.Leu203His)

Gene: ACTN2 (actinin alpha 2; plus strand). Cytogenetic location: 1q43.
Variant type: single nucleotide variant.
Coding change: c.608T>A on transcript NM_001103.4 (MANE Select); coding-DNA position 608, T replaced by A.
Protein change: p.Leu203His; replaces leucine 203 with histidine.
Molecular consequence: missense variant. On other transcripts: 5 prime UTR variant (1).
Genome position (GRCh38, 1-based): chr1:236,727,749, T>A. VCF-style: chr1-236727749-T-A. GRCh37 (hg19) VCF-style: chr1-236891049-T-A.
Other names: c.608T>A, p.Leu203His (NM_001278343.2); c.-214T>A (NM_001278344.2); c.-339T>A (NM_001412150.1); short protein forms L203H.
Identifiers: ClinVar variation 2052806 (VCV002052806.4), dbSNP rs1000457581, ClinGen allele CA345375617.
Genomic context (GRCh38, chr1:236,727,749, plus strand): 5'-GCCTTGGACTCTGTGCCCTCATCCACCGACACCGGCCTGACCTCATTGACTACTCAAAGC[T>A]TAACAAGGTTATTCTGGGTGGCCTGGCATGCAGTGTCCCCAGCCACGCGTCTCAGCATGT-3'
Protein context (NP_001094.1, residues 193-213): HRPDLIDYSK[Leu203His]NKDDPIGNIN

ClinVar aggregate classification (germline): Uncertain significance (1 of 4 stars; one submission).

Conditions:
Dilated cardiomyopathy 1AA (CMD1AA). Also called: CARDIOMYOPATHY, FAMILIAL HYPERTROPHIC, 23, WITH OR WITHOUT LEFT VENTRICULAR NONCOMPACTION; CARDIOMYOPATHY, DILATED, 1AA, WITH OR WITHOUT LEFT VENTRICULAR NONCOMPACTION; Cardiomyopathy, dilated, 1AA, with or without LVNC. Identifiers: Orphanet 154, MedGen C2677338, MONDO:0012808, OMIM 612158.
Primary familial hypertrophic cardiomyopathy (HCM). Identifiers: Orphanet 99739, MedGen C0949658, MeSH D024741, MONDO:0024573. Inheritance: Various modes of inheritance.

Submission:

Labcorp Genetics (formerly Invitae), Labcorp
Classification: Uncertain significance for Primary familial hypertrophic cardiomyopathy; Dilated cardiomyopathy 1AA. Last evaluated: 2021-12-22. Review status: criteria provided, single submitter. Criteria: Invitae Variant Classification Sherloc (09022015). Collection method: clinical testing. Allele origin: germline.
Comment: In summary, the available evidence is currently insufficient to determine the role of this variant in disease. Therefore, it has been classified as a Variant of Uncertain Significance. Advanced modeling of protein sequence and biophysical properties (such as structural, functional, and spatial information, amino acid conservation, physicochemical variation, residue mobility, and thermodynamic stability) performed at Invitae indicates that this missense variant is expected to disrupt ACTN2 protein function. This variant has not been reported in the literature in individuals affected with ACTN2-related conditions. This variant is not present in population databases (gnomAD no frequency). This sequence change replaces leucine, which is neutral and non-polar, with histidine, which is basic and polar, at codon 203 of the ACTN2 protein (p.Leu203His).